The following is an entry in ClinVar:

ClinVar aggregate classification (germline): Uncertain significance. Review status: criteria provided, multiple submitters, no conflicts (2 of 4 stars). 3 submissions from 3 submitters: Uncertain significance (3). Last evaluated 2025-03-03.

Conditions:
Adams-Oliver syndrome 5 (AOS5). Identifiers: Orphanet 974, MedGen C4014970, MONDO:0014459, OMIM 616028.
Familial thoracic aortic aneurysm and aortic dissection (TAAD). Also called: Thoracic aortic aneurysms and dissections. Identifiers: Orphanet 91387, MedGen C4707243, MONDO:0019625.

Allele frequency attached by ClinVar (database versions not stated): gnomAD exomes below 0.00001.

Submissions (3):

Ambry Genetics
Classification: Uncertain significance for Familial thoracic aortic aneurysm and aortic dissection. Last evaluated: 2025-03-03. Review status: criteria provided, single submitter. Criteria: Ambry Variant Classification Scheme 2023. Collection method: clinical testing. Allele origin: germline.
Comment: The p.Q1547R variant (also known as c.4640A>G), located in coding exon 26 of the NOTCH1 gene, results from an A to G substitution at nucleotide position 4640. The glutamine at codon 1547 is replaced by arginine, an amino acid with highly similar properties. This amino acid position is conserved. In addition, the in silico prediction for this alteration is inconclusive. Since supporting evidence is limited at this time, the clinical significance of this alteration remains unclear.

Labcorp Genetics (formerly Invitae), Labcorp
Classification: Uncertain significance for Adams-Oliver syndrome 5. Last evaluated: 2023-06-06. Review status: criteria provided, single submitter. Criteria: Invitae Variant Classification Sherloc (09022015). Collection method: clinical testing. Allele origin: germline.
Comment: The frequency data for this variant in the population databases is considered unreliable, as metrics indicate poor data quality at this position in the gnomAD database. This sequence change replaces glutamine, which is neutral and polar, with arginine, which is basic and polar, at codon 1547 of the NOTCH1 protein (p.Gln1547Arg). This variant has not been reported in the literature in individuals affected with NOTCH1-related conditions. ClinVar contains an entry for this variant (Variation ID: 544177). Advanced modeling of protein sequence and biophysical properties (such as structural, functional, and spatial information, amino acid conservation, physicochemical variation, residue mobility, and thermodynamic stability) performed at Invitae indicates that this missense variant is not expected to disrupt NOTCH1 protein function. In summary, the available evidence is currently insufficient to determine the role of this variant in disease. Therefore, it has been classified as a Variant of Uncertain Significance.

GeneDx
Classification: Uncertain significance. Last evaluated: 2023-05-25. Review status: criteria provided, single submitter. Criteria: GeneDx Variant Classification Process June 2021. Collection method: clinical testing. Allele origin: germline. Affected: yes.
Comment: Not observed at significant frequency in large population cohorts (gnomAD); In silico analysis supports that this missense variant has a deleterious effect on protein structure/function; Has not been previously published as pathogenic or benign to our knowledge

NM_017617.5(NOTCH1):c.4640A>G (p.Gln1547Arg)

Gene: NOTCH1 (notch receptor 1; minus strand). Cytogenetic location: 9q34.3.
Variant type: single nucleotide variant.
Coding change: c.4640A>G on transcript NM_017617.5 (MANE Select); coding-DNA position 4640, A replaced by G.
Protein change: p.Gln1547Arg; replaces glutamine 1547 with arginine.
Molecular consequence: missense variant.
Genome position (GRCh38, 1-based): chr9:136,505,051, T>C on the plus strand (A>G on the coding strand, the complement: NOTCH1 is on the minus strand). VCF-style: chr9-136505051-T-C. GRCh37 (hg19) VCF-style: chr9-139399503-T-C.
Other names: c.4640A>G, p.Gln1547Arg (LRG_1122t1); short protein forms Q1547R.
Identifiers: ClinVar variation 544177 (VCV000544177.12), dbSNP rs1055806143, ClinGen allele CA201644106.